The following is an entry in ClinVar:

NM_017841.4(SDHAF2):c.466C>G (p.Pro156Ala)

Gene: SDHAF2 (succinate dehydrogenase complex assembly factor 2; plus strand). Cytogenetic location: 11q12.2.
Variant type: single nucleotide variant.
Coding change: c.466C>G on transcript NM_017841.4 (MANE Select); coding-DNA position 466, C replaced by G.
Protein change: p.Pro156Ala; replaces proline 156 with alanine.
Molecular consequence: missense variant.
Genome position (GRCh38, 1-based): chr11:61,446,036, C>G. VCF-style: chr11-61446036-C-G. GRCh37 (hg19) VCF-style: chr11-61213508-C-G.
Other names: short protein forms P156A.
Identifiers: ClinVar variation 2448518 (VCV002448518.2), dbSNP rs1862133442, ClinGen allele CA380685494.

ClinVar aggregate classification (germline): Uncertain significance (1 of 4 stars; one submission).

Conditions:
Hereditary cancer-predisposing syndrome. Also called: Neoplastic Syndromes, Hereditary; Hereditary Cancer Syndrome; Tumor predisposition; Hereditary neoplastic syndrome. Identifiers: Orphanet 140162, MedGen C0027672, MeSH D009386, MONDO:0015356.

Submission:

Ambry Genetics
Classification: Uncertain significance for Hereditary cancer-predisposing syndrome. Last evaluated: 2022-11-25. Review status: criteria provided, single submitter. Criteria: Ambry Variant Classification Scheme 2023. Collection method: clinical testing. Allele origin: germline.
Comment: The p.P156A variant (also known as c.466C>G), located in coding exon 4 of the SDHAF2 gene, results from a C to G substitution at nucleotide position 466. The proline at codon 156 is replaced by alanine, an amino acid with highly similar properties. This amino acid position is conserved. In addition, this alteration is predicted to be deleterious by in silico analysis. Since supporting evidence is limited at this time, the clinical significance of this alteration remains unclear.